The following is an entry in ClinVar:

NM_000492.4(CFTR):c.254G>C (p.Gly85Ala)

Gene: CFTR (CF transmembrane conductance regulator; plus strand). Cytogenetic location: 7q31.2.
Variant type: single nucleotide variant.
Coding change: c.254G>C on transcript NM_000492.4 (MANE Select); coding-DNA position 254, G replaced by C.
Protein change: p.Gly85Ala; replaces glycine 85 with alanine.
Molecular consequence: missense variant.
Genome position (GRCh38, 1-based): chr7:117,509,123, G>C. VCF-style: chr7-117509123-G-C. GRCh37 (hg19) VCF-style: chr7-117149177-G-C.
Other names: short protein forms G85A.
Identifiers: ClinVar variation 4064445 (VCV004064445.2).

ClinVar aggregate classification (germline): Uncertain significance. Review status: criteria provided, single submitter (1 of 4 stars). 2 submissions from 2 submitters: Uncertain significance (1). 1 of the submissions does not count toward it. Last evaluated 2026-05-06.

Conditions:
CFTR-related disorder (CFTR-RD). Also called: CFTR-related disorders; CFTR-related condition. Identifiers: MedGen C5924204, MONDO:7770004.

Submissions (2):

Women's Health and Genetics/Laboratory Corporation of America, LabCorp
Classification: Uncertain significance. Last evaluated: 2026-05-06. Review status: criteria provided, single submitter. Criteria: LabCorp Variant Classification Summary - May 2015. Collection method: clinical testing. Allele origin: germline.
Comment: Variant summary: CFTR c.254G>C (p.Gly85Ala) results in a non-conservative amino acid change in the encoded protein sequence. Algorithms developed to predict the effect of missense changes on protein structure and function all suggest that this variant is likely to be disruptive. The variant was absent in 250880 control chromosomes (gnomAD). To our knowledge, no occurrence of c.254G>C in individuals affected with CFTR-related conditions has been reported. Two different variants affecting the same codon has been classified as pathogenic by our lab (c.254G>A, p.Gly85Glu; c.254G>T, p.Gly85Val), supporting the critical relevance of codon 85 to CFTR protein function. At least one publication reports experimental evidence evaluating an impact on protein function, however, does not allow convincing conclusions about the variant effect (Patrick_2011). The following publication have been ascertained in the context of this evaluation (PMID: 21998193). ClinVar contains an entry for this variant (Variation ID: 4064445). Based on the evidence outlined above, the variant was classified as VUS-possibly pathogenic.

Natera, Inc.
Classification: Uncertain significance for CFTR-related disorders. Last evaluated: 2025-05-02. Review status: no assertion criteria provided. Collection method: clinical testing. Allele origin: germline. Not counted in ClinVar's aggregate classification.

Literature cited by the submitters: PubMed 21998193 (cited by Women's Health and Genetics/Laboratory Corporation of America, LabCorp).